The following is an entry in ClinVar:

NM_001267550.2(TTN):c.43577G>A (p.Arg14526Gln)

Gene: TTN (titin; minus strand). Cytogenetic location: 2q31.2.
Variant type: single nucleotide variant.
Coding change: c.43577G>A on transcript NM_001267550.2 (MANE Select); coding-DNA position 43577, G replaced by A.
Protein change: p.Arg14526Gln; replaces arginine 14526 with glutamine.
Molecular consequence: missense variant.
Genome position (GRCh38, 1-based): chr2:178,632,317, C>T on the plus strand (G>A on the coding strand, the complement: TTN is on the minus strand). VCF-style: chr2-178632317-C-T. GRCh37 (hg19) VCF-style: chr2-179497044-C-T.
Other names: p.R12885Q:CGA>CAA; c.38654G>A, p.Arg12885Gln (NM_001256850.1); c.35873G>A, p.Arg11958Gln (NM_133378.4); c.16382G>A, p.Arg5461Gln (NM_003319.4); c.16757G>A, p.Arg5586Gln (NM_133432.3); c.16958G>A, p.Arg5653Gln (NM_133437.4); short protein forms R14526Q, R11958Q, R12885Q, R5461Q, R5653Q, R5586Q.
Identifiers: ClinVar variation 46969 (VCV000046969.52), dbSNP rs373491468, ClinGen allele CA139665.

ClinVar aggregate classification (germline): Conflicting classifications of pathogenicity. Review status: criteria provided, conflicting classifications (1 of 4 stars). 18 submissions from 14 submitters: Uncertain significance (9); Benign (2); Likely benign (5). 2 of the submissions do not count toward it. Last evaluated 2025-10-13.

Conditions:
Cardiovascular phenotype. Identifiers: MedGen CN230736.
TTN-related disorder. Also called: TTN-related condition; TTN-related disease; TTN-related disorders.
Dilated cardiomyopathy 1G (CMD1G). Identifiers: Orphanet 154, MedGen C1858763, MONDO:0011400, OMIM 604145.
Autosomal recessive limb-girdle muscular dystrophy type 2J (LGMDR10). Also called: Limb-girdle muscular dystrophy, type 2J; MUSCULAR DYSTROPHY, LIMB-GIRDLE, AUTOSOMAL RECESSIVE 10. Identifiers: Orphanet 140922, MedGen C1837342, MONDO:0012127, OMIM 608807.
Early-onset myopathy with fatal cardiomyopathy (CMYO5). Also called: Salih Myopathy; CONGENITAL MYOPATHY 5 WITH CARDIOMYOPATHY. Identifiers: Orphanet 289377, MedGen C2673677, MONDO:0012714, OMIM 611705. Disease mechanism: loss of function.
Myopathy, myofibrillar, 9, with early respiratory failure (MFM9). Also called: Hereditary myopathy with early respiratory failure; Myopathy, distal, with early respiratory failure, autosomal dominant; EDSTROM MYOPATHY; MYOPATHY, PROXIMAL, WITH EARLY RESPIRATORY MUSCLE INVOLVEMENT. Identifiers: Orphanet 178464, Orphanet 34521, MedGen C1863599, MONDO:0011362, OMIM 603689.
Tibial muscular dystrophy (TMD). Also called: Udd Distal Myopathy – Tibial Muscular Dystrophy; Tibial muscular dystrophy, tardive; UDD MYOPATHY. Identifiers: Orphanet 609, MedGen C1838244, MONDO:0010870, OMIM 600334.

Allele frequency attached by ClinVar (database versions not stated): gnomAD 0.00017 and 0.00018; TOPMed 0.00018; ESP Exome Variant Server 0.00025.
gnomAD v4.1: 452 of 1,607,726 alleles (0.028%); highest among the groups gnomAD compares: Non-Finnish European, 0.035%; 1 homozygote.

Submissions (18):

PreventionGenetics, part of Exact Sciences
Classification: Likely benign for TTN-related condition. Last evaluated: 2025-10-13. Review status: criteria provided, single submitter. Criteria: ACMG Guidelines, 2015. Collection method: clinical testing. Allele origin: germline.
Comment: This variant is classified as likely benign based on ACMG/AMP sequence variant interpretation guidelines (Richards et al. 2015 PMID: 25741868, with internal and published modifications).

Revvity Omics, Revvity
Classification: Uncertain significance. Last evaluated: 2025-03-13. Review status: criteria provided, single submitter. Criteria: ACMG Guidelines, 2015. Collection method: clinical testing. Allele origin: germline.

Athena Diagnostics
Classification: Uncertain significance. Last evaluated: 2025-01-23. Review status: criteria provided, single submitter. Criteria: Athena Diagnostics Criteria. Collection method: clinical testing. Allele origin: unknown.
Comment: Available data are insufficient to determine the clinical significance of the variant at this time. The frequency of this variant in the general population is uninformative in assessment of its pathogenicity. Polyphen and MutationTaster predict this amino acid change may be benign.

Blueprint Genetics
Classification: Likely benign. Last evaluated: 2024-10-24. Review status: criteria provided, single submitter. Criteria: ACMG Guidelines, 2015. Collection method: clinical testing. Allele origin: germline.

Women's Health and Genetics/Laboratory Corporation of America, LabCorp
Classification: Uncertain significance. Last evaluated: 2024-09-30. Review status: criteria provided, single submitter. Criteria: LabCorp Variant Classification Summary - May 2015. Collection method: clinical testing. Allele origin: germline.
Comment: Variant summary: TTN c.35873G>A (p.Arg11958Gln) results in a conservative amino acid change located in the I-band region of the encoded protein sequence. Five of five in-silico tools predict a benign effect of the variant on protein function. The variant allele was found at a frequency of 9.7e-05 in 238322 control chromosomes, predominantly at a frequency of 0.00017 within the Non-Finnish European subpopulation in the gnomAD database. This frequency is not significantly higher than estimated for a pathogenic variant in TTN causing Dilated Cardiomyopathy (9.7e-05 vs 0.00039), allowing no conclusion about variant significance. To our knowledge, no occurrence of c.35873G>A in individuals affected with Dilated Cardiomyopathy and no experimental evidence demonstrating its impact on protein function have been reported. ClinVar contains an entry for this variant (Variation ID: 46969). Based on the evidence outlined above, the variant was classified as uncertain significance.

CeGaT Center for Human Genetics Tuebingen
Classification: Likely benign. Last evaluated: 2024-07-01. Review status: criteria provided, single submitter. Criteria: CeGaT Center For Human Genetics Tuebingen Variant Classification Criteria Version 2. Collection method: clinical testing. Allele origin: germline. Affected: yes. Observed: 2 variant alleles.
Comment: TTN: BP4, BS2

Ambry Genetics
Classification: Likely benign for Cardiovascular phenotype. Last evaluated: 2020-03-23. Review status: criteria provided, single submitter. Criteria: Ambry Variant Classification Scheme 2023. Collection method: clinical testing. Allele origin: germline.

GeneDx
Classification: Likely benign. Last evaluated: 2019-06-14. Review status: criteria provided, single submitter. Criteria: GeneDx Variant Classification Process June 2021. Collection method: clinical testing. Allele origin: germline. Affected: yes.

Illumina Laboratory Services, Illumina
Classification: Benign for Tibial muscular dystrophy. Last evaluated: 2017-06-01. Review status: criteria provided, single submitter. Criteria: ICSL Variant Classification Criteria 13 December 2019. Collection method: clinical testing. Allele origin: germline.
Comment: This variant was observed as part of a predisposition screen in an ostensibly healthy population. A literature search was performed for the gene, cDNA change, and amino acid change (where applicable). No publications were found based on this search. Allele frequency data from public databases was too high to be consistent with this variant causing disease. Therefore, this variant is classified as benign.

Illumina Laboratory Services, Illumina
Classification: Benign for Myopathy, myofibrillar, 9, with early respiratory failure. Last evaluated: 2017-06-01. Review status: criteria provided, single submitter. Criteria: ICSL Variant Classification Criteria 13 December 2019. Collection method: clinical testing. Allele origin: germline.
Comment: the same text as in the submission from Illumina Laboratory Services, Illumina above.

Illumina Laboratory Services, Illumina
Classification: Uncertain significance for Autosomal recessive limb-girdle muscular dystrophy type 2J. Last evaluated: 2017-04-27. Review status: criteria provided, single submitter. Criteria: ICSL Variant Classification Criteria 13 December 2019. Collection method: clinical testing. Allele origin: germline.

Illumina Laboratory Services, Illumina
Classification: Uncertain significance for Dilated cardiomyopathy 1G. Last evaluated: 2017-04-27. Review status: criteria provided, single submitter. Criteria: ICSL Variant Classification Criteria 13 December 2019. Collection method: clinical testing. Allele origin: germline.

Illumina Laboratory Services, Illumina
Classification: Uncertain significance for Early-onset myopathy with fatal cardiomyopathy. Last evaluated: 2017-04-27. Review status: criteria provided, single submitter. Criteria: ICSL Variant Classification Criteria 13 December 2019. Collection method: clinical testing. Allele origin: germline.

Labcorp Genetics (formerly Invitae), Labcorp
Classification: Uncertain significance for Dilated cardiomyopathy 1G; Autosomal recessive limb-girdle muscular dystrophy type 2J. Last evaluated: 2016-04-29. Review status: criteria provided, single submitter. Criteria: Invitae Variant Classification Sherloc (09022015). Collection method: clinical testing. Allele origin: germline.

Eurofins Ntd Llc (ga)
Classification: Uncertain significance. Last evaluated: 2015-04-11. Review status: criteria provided, single submitter. Criteria: EGL Classification Definitions 2015. Collection method: clinical testing. Allele origin: germline. Observed: 1 variant allele, 1 heterozygote.

Laboratory for Molecular Medicine, Mass General Brigham Personalized Medicine
Classification: Uncertain significance. Last evaluated: 2013-01-02. Review status: criteria provided, single submitter. Criteria: LMM Criteria. Collection method: clinical testing. Allele origin: germline. Observed: 1 variant allele.
Comment: The Arg11958Gln variant in TTN has not been reported in the literature nor previ ously identified by our laboratory. This variant has been identified in 3/8288 E uropean American chromosomes from a broad population by the NHLBI Exome Sequenci ng Project. Arginine (Arg) at position 11958 is poorly conserved in evolution, and 1 species (zebrafish) carries the variant amino acid (Gln) at this position, suggesting this change may be tolerated. Com putational analyses (biochemical amino acid properties, AlignGVGD, PolyPhen2, an d SIFT) suggest that the Arg11958Gln variant may not impact the protein, though this information is not predictive enough to rule out pathogenicity. Additional information is needed to fully assess the clinical significance of the Arg11958G ln variant.

Clinical Genetics DNA and cytogenetics Diagnostics Lab, Erasmus MC, Erasmus Medical Center
Classification: Likely benign. Review status: no assertion criteria provided. Collection method: clinical testing. Allele origin: germline. Affected: yes. Study: VKGL Data-share Consensus. Not counted in ClinVar's aggregate classification.

Clinical Genetics, Academic Medical Center
Classification: Likely benign. Review status: no assertion criteria provided. Collection method: clinical testing. Allele origin: germline. Affected: yes. Study: VKGL Data-share Consensus. Not counted in ClinVar's aggregate classification.

Literature cited by the submitters: PubMed 38380180 (cited by Athena Diagnostics); PubMed 31983221 (cited by Athena Diagnostics).